The following is an entry in ClinVar:

ClinVar aggregate classification (germline): Uncertain significance (1 of 4 stars; one submission).

Conditions:
Charcot-Marie-Tooth disease type 2. Also called: Charcot-Marie-Tooth type 2. Identifiers: Orphanet 64746, MedGen C0270914, MONDO:0018993.

Submissions (2):

Labcorp Genetics (formerly Invitae), Labcorp
Classification: Uncertain significance for Charcot-Marie-Tooth disease type 2. Last evaluated: 2024-10-20. Review status: criteria provided, single submitter. Criteria: Invitae Variant Classification Sherloc (09022015). Collection method: clinical testing. Allele origin: germline.
Comment: This sequence change affects an acceptor splice site in intron 11 of the LMNA gene. While this variant is not anticipated to result in nonsense mediated decay, it likely alters RNA splicing and results in a disrupted protein product. This variant is not present in population databases (gnomAD no frequency). This variant has not been reported in the literature in individuals affected with LMNA-related conditions. Variants that disrupt the consensus splice site are a relatively common cause of aberrant splicing (PMID: 17576681, 9536098). Algorithms developed to predict the effect of sequence changes on RNA splicing suggest that this variant may disrupt the consensus splice site. In summary, the available evidence is currently insufficient to determine the role of this variant in disease. Therefore, it has been classified as a Variant of Uncertain Significance.

Dr. Peter K. Rogan Lab, Western University
No classification provided (evidence only). Condition: Malignant tumor of urinary bladder. Review status: no classification provided. Collection method: in vitro. Allele origin: not applicable. Functional consequence: cryptic splice site, skipped exon, retained intron. Not counted in ClinVar's aggregate classification.

Literature cited by the submitters: PubMed 17576681 (cited by Labcorp Genetics (formerly Invitae), Labcorp); PubMed 9536098 (cited by Labcorp Genetics (formerly Invitae), Labcorp).

NM_170707.4(LMNA):c.1969-1G>A

Gene: LMNA (lamin A/C; plus strand). Cytogenetic location: 1q22.
Variant type: single nucleotide variant.
Coding change: c.1969-1G>A on transcript NM_170707.4 (MANE Select); the canonical splice acceptor site of the intron before coding-DNA position 1969, G replaced by A.
Molecular consequence: splice acceptor variant.
Genome position (GRCh38, 1-based): chr1:156,139,079, G>A. VCF-style: chr1-156139079-G-A. GRCh37 (hg19) VCF-style: chr1-156108870-G-A.
Other names: c.1411-1G>A (NM_001406995.1, NM_001406990.1, NM_001406996.1 and 2 more transcripts); c.1726-1G>A (NM_001406987.1, NM_001406986.1); c.1633-1G>A (NM_001406989.1, NM_001257374.3); c.1672-1G>A (NM_001406988.1); c.1969-1G>A (NM_001406983.1, NM_001406991.1, NM_001406985.1); c.1345-1G>A (NM_001406999.1, NM_001407000.1, NM_001406994.1 and 1 more transcripts); c.1819-1G>A (NM_001282626.2); c.1879-1G>A (NM_170708.4).
Identifiers: ClinVar variation 3723330 (VCV003723330.3).
Genomic context (GRCh38, chr1:156,139,079, plus strand): 5'-GAGGGAGGGTCTGGGTCCAGGCCCTGCTGCTCACACCTCTCTCCTCTGTTTTCTCTCTTA[G>A]AGCCCCCAGAACTGCAGCATCATGTAATCTGGGACCTGCCAGGCAGGGGTGGGGGTGGAG-3'